The following is an entry in ClinVar:

ClinVar aggregate classification (germline): Uncertain significance. Review status: criteria provided, multiple submitters, no conflicts (2 of 4 stars). 3 submissions from 3 submitters: Uncertain significance (3). Last evaluated 2026-01-12.

Conditions:
Cardiovascular phenotype. Identifiers: MedGen CN230736.

Submissions (3):

Women's Health and Genetics/Laboratory Corporation of America, LabCorp
Classification: Uncertain significance. Last evaluated: 2026-01-12. Review status: criteria provided, single submitter. Criteria: LabCorp Variant Classification Summary - May 2015. Collection method: clinical testing. Allele origin: germline.
Comment: Variant summary: TTN c.1933_1935delGAG (p.Glu645del) results in an in-frame deletion that is predicted to remove 1 amino acid from the encoded protein. The variant allele was found at a frequency of 2.4e-05 in 251066 control chromosomes. The available data on variant occurrences in the general population are insufficient to allow any conclusion about variant significance. c.1933_1935delGAG has been observed in one individual affected with sudden arrhythmic death syndrome, without strong evidence for causality (Nunn_2016). These report(s) do not provide unequivocal conclusions about association of the variant with Dilated Cardiomyopathy and other TTN-related diseases. To our knowledge, no experimental evidence demonstrating an impact on protein function has been reported. The following publication hasbeen ascertained in the context of this evaluation (PMID: 26498160). ClinVar contains an entry for this variant (Variation ID: 426953). Based on the evidence outlined above, the variant was classified as uncertain significance.

Ambry Genetics
Classification: Uncertain significance for Cardiovascular phenotype. Last evaluated: 2025-06-10. Review status: criteria provided, single submitter. Criteria: Ambry Variant Classification Scheme 2023. Collection method: clinical testing. Allele origin: germline.
Comment: The c.1795_1797delGAG variant (also known as p.E599del) is located in coding exon 10 of the TTN gene. This variant results from an in-frame GAG deletion at nucleotide positions 1795 to 1797. This results in the in-frame deletion of a glutamic acid at codon 599. This amino acid position is well conserved in available vertebrate species. In addition, this alteration is predicted to be deleterious by in silico analysis (Choi Y et al. PLoS ONE. 2012; 7(10):e46688). Since supporting evidence is limited at this time, the clinical significance of this alteration remains unclear.

GeneDx
Classification: Uncertain significance. Last evaluated: 2024-04-23. Review status: criteria provided, single submitter. Criteria: GeneDx Variant Classification Process June 2021. Collection method: clinical testing. Allele origin: germline. Affected: yes.
Comment: Observed in large population cohorts (gnomAD; internal data); Has not been previously published as pathogenic or benign to our knowledge

Literature cited by the submitters: PubMed 26498160 (cited by Women's Health and Genetics/Laboratory Corporation of America, LabCorp).

NM_001267550.2(TTN):c.1933_1935del (p.Glu645del)

Gene: TTN (titin; minus strand). Cytogenetic location: 2q31.2.
Variant type: Deletion.
Coding change: c.1933_1935del on transcript NM_001267550.2 (MANE Select); coding-DNA positions 1933 to 1935, 3 bases deleted (GAG; older notation c.1933_1935delGAG).
Protein change: p.Glu645del; deletes glutamic acid 645.
Molecular consequence: inframe deletion.
Genome position (GRCh38, 1-based): chr2:178,789,981-178,789,983, CTC deleted on the plus strand (GAG on the coding strand, the reverse complement: TTN is on the minus strand); deleting any 3 consecutive bases within chr2:178,789,981-178,789,985 gives the same sequence; the c. name uses the placement nearest the transcript's 3' end. VCF-style (leftmost placement, unchanged base first): chr2-178789980-TCTC-T. GRCh37 (hg19) VCF-style: chr2-179654707-TCTC-T.
Other names: c.1933_1935del, p.Glu645del (NM_001256850.1, NM_133378.4, NM_133379.5); c.1795_1797del, p.Glu599del (NM_003319.4, NM_133432.3, NM_133437.4); c.1933_1935delGAG (NM_001256850.1, NM_133378.4); c.1795_1797delGAG (NM_003319.4); c.1933_1935del (NM_001267550.1); short protein forms E645del, E599del.
Identifiers: ClinVar variation 426953 (VCV000426953.8), dbSNP rs774138200, ClinGen allele CA2005940.